The following is an entry in ClinVar:

NM_080911.3(UNG):c.802-6T>C

Gene: UNG (uracil DNA glycosylase; plus strand). Cytogenetic location: 12q24.11.
Variant type: single nucleotide variant.
Coding change: c.802-6T>C on transcript NM_080911.3 (MANE Select); 6 bases into the intron before coding-DNA position 802, T replaced by C.
Molecular consequence: intron variant.
Genome position (GRCh38, 1-based): chr12:109,109,823, T>C. VCF-style: chr12-109109823-T-C. GRCh37 (hg19) VCF-style: chr12-109547628-T-C.
Other names: c.775-6T>C (NM_003362.4).
Identifiers: ClinVar variation 639461 (VCV000639461.8), dbSNP rs1593326349, ClinGen allele CA915946695.

ClinVar aggregate classification (germline): Uncertain significance (1 of 4 stars; one submission).

Conditions:
Hyper-IgM syndrome type 5 (HIGM5). Also called: Hyper-IgM Immunodeficiency Syndrome, Type 5. Identifiers: Orphanet 101092, MedGen C1720958, MONDO:0011971, OMIM 608106.

Allele frequency attached by ClinVar (database versions not stated): gnomAD below 0.00001 and 0.00001.

Submission:

Labcorp Genetics (formerly Invitae), Labcorp
Classification: Uncertain significance for Hyper-IgM syndrome type 5. Last evaluated: 2018-09-05. Review status: criteria provided, single submitter. Criteria: Invitae Variant Classification Sherloc (09022015). Collection method: clinical testing. Allele origin: germline.
Comment: In summary, the available evidence is currently insufficient to determine the role of this variant in disease. Therefore, it has been classified as a Variant of Uncertain Significance. Algorithms developed to predict the effect of sequence changes on RNA splicing suggest that this variant may disrupt the consensus splice site, but this prediction has not been confirmed by published transcriptional studies. This variant has not been reported in the literature in individuals with UNG-related disease. This variant is not present in population databases (ExAC no frequency). This sequence change falls in intron 6 of the UNG gene. It does not directly change the encoded amino acid sequence of the UNG protein.